The following is an entry in ClinVar:

NM_001282531.3(ADNP):c.1907C>A (p.Ser636Tyr)

Gene: ADNP (activity dependent neuroprotector homeobox; minus strand). Cytogenetic location: 20q13.13.
Variant type: single nucleotide variant.
Coding change: c.1907C>A on transcript NM_001282531.3 (MANE Select); coding-DNA position 1907, C replaced by A.
Protein change: p.Ser636Tyr; replaces serine 636 with tyrosine.
Molecular consequence: missense variant.
Genome position (GRCh38, 1-based): chr20:50,892,807, G>T on the plus strand (C>A on the coding strand, the complement: ADNP is on the minus strand). VCF-style: chr20-50892807-G-T. GRCh37 (hg19) VCF-style: chr20-49509344-G-T.
Other names: c.1907C>A, p.Ser636Tyr (NM_001282532.2, NM_001347511.2, NM_015339.5 and 1 more transcripts); short protein forms S636Y.
Identifiers: ClinVar variation 2652401 (VCV002652401.24), dbSNP rs2515582016, ClinGen allele CA408971972.
Genomic context (GRCh38, chr20:50,892,807, plus strand): 5'-ACTGGATGAACCGTCTGAATAACTTGGTGCCTCTCTCGTAAGTGATGTGCAAGTGCATCA[G>T]ATATGGGTCCTTTTAGGATTGAAAAGCAAAGAGGACAAAGGGTTTTCCCAACATCTTTTT-3'
Protein context (NP_001269460.1, residues 626-646): LCFSILKGPI[Ser636Tyr]DALAHHLRER

ClinVar aggregate classification (germline): Uncertain significance (1 of 4 stars; one submission).

Submission:

CeGaT Center for Human Genetics Tuebingen
Classification: Uncertain significance. Last evaluated: 2023-04-01. Review status: criteria provided, single submitter. Criteria: CeGaT Center For Human Genetics Tuebingen Variant Classification Criteria Version 2. Collection method: clinical testing. Allele origin: germline. Affected: yes. Observed: 1 variant allele.
Comment: ADNP: PM2